The following is an entry in ClinVar:

ClinVar aggregate classification (germline): Pathogenic (1 of 4 stars; one submission).

Conditions:
Duchenne muscular dystrophy (DMD). Also called: Duchenne Muscular Dystrophy (DMD); MUSCULAR DYSTROPHY, PSEUDOHYPERTROPHIC PROGRESSIVE, DUCHENNE TYPE. Identifiers: Orphanet 98896, MedGen C0013264, MONDO:0010679, OMIM 310200.

Submission:

Labcorp Genetics (formerly Invitae), Labcorp
Classification: Pathogenic for Duchenne muscular dystrophy. Last evaluated: 2021-08-12. Review status: criteria provided, single submitter. Criteria: Invitae Variant Classification Sherloc (09022015). Collection method: clinical testing. Allele origin: germline.
Comment: This variant is a gross deletion of the genomic region encompassing exon(s) 3-15 of the DMD gene. This variant would be expected to be in-frame, preserving the integrity of the reading frame. A similar copy number variant has been observed in individual(s) with Duchenne muscular dystrophy (PMID: 19937601). The region of the DMD gene that includes exon(s) 13 has been determined to be clinically significant (PMID: 18353051, 22379338, 28116794, 28610567). Therefore, deletions that encompass that region are likely to be disease-causing. For these reasons, this variant has been classified as Pathogenic.

Literature cited by the submitters: PubMed 19937601; PubMed 18353051; PubMed 22379338; PubMed 28116794; PubMed 28610567.

NC_000023.11:g.(?_32573520)_(32849830_?)del

Gene: DMD (dystrophin; minus strand). Cytogenetic location: Xp21.1.
Variant type: Deletion.
Identifiers: ClinVar variation 831978 (VCV000831978.7).